The following is an entry in ClinVar:

ClinVar aggregate classification (germline): Uncertain significance (1 of 4 stars; one submission).

Conditions:
Arrhythmogenic cardiomyopathy with wooly hair and keratoderma. Also called: Dilated cardiomyopathy with woolly hair and keratoderma; Carvajal syndrome; PALMOPLANTAR KERATODERMA WITH LEFT VENTRICULAR CARDIOMYOPATHY AND WOOLLY HAIR; Arrhythmogenic cardiomyopathy with woolly hair and keratoderma. Identifiers: Orphanet 65282, MedGen C1854063, MONDO:0011581, OMIM 605676.
Arrhythmogenic right ventricular dysplasia 8 (ARVD8). Also called: Arrhythmogenic Right Ventricular Dysplasia/Cardiomyopathy 8; ARRHYTHMOGENIC RIGHT VENTRICULAR DYSPLASIA, FAMILIAL, 8; ARRHYTHMOGENIC RIGHT VENTRICULAR CARDIOMYOPATHY 8. Identifiers: MedGen C1843896, MONDO:0011831, OMIM 607450.

Submission:

Labcorp Genetics (formerly Invitae), Labcorp
Classification: Uncertain significance for Arrhythmogenic cardiomyopathy with wooly hair and keratoderma; Arrhythmogenic right ventricular dysplasia 8. Last evaluated: 2022-02-22. Review status: criteria provided, single submitter. Criteria: Invitae Variant Classification Sherloc (09022015). Collection method: clinical testing. Allele origin: germline.
Comment: This sequence change replaces tyrosine, which is neutral and polar, with histidine, which is basic and polar, at codon 2316 of the DSP protein (p.Tyr2316His). This variant is not present in population databases (gnomAD no frequency). This variant has not been reported in the literature in individuals affected with DSP-related conditions. Algorithms developed to predict the effect of missense changes on protein structure and function (SIFT, PolyPhen-2, Align-GVGD) all suggest that this variant is likely to be tolerated. In summary, the available evidence is currently insufficient to determine the role of this variant in disease. Therefore, it has been classified as a Variant of Uncertain Significance.

NM_004415.4(DSP):c.6946T>C (p.Tyr2316His)

Gene: DSP (desmoplakin; plus strand). Cytogenetic location: 6p24.3.
Variant type: single nucleotide variant.
Coding change: c.6946T>C on transcript NM_004415.4 (MANE Select); coding-DNA position 6946, T replaced by C.
Protein change: p.Tyr2316His; replaces tyrosine 2316 with histidine.
Molecular consequence: missense variant.
Genome position (GRCh38, 1-based): chr6:7,584,208, T>C. VCF-style: chr6-7584208-T-C. GRCh37 (hg19) VCF-style: chr6-7584441-T-C.
Other names: c.5149T>C, p.Tyr1717His (NM_001008844.3); c.5617T>C, p.Tyr1873His (NM_001319034.2); short protein forms Y1717H, Y1873H, Y2316H.
Identifiers: ClinVar variation 2192798 (VCV002192798.4), dbSNP rs1759553124, ClinGen allele CA362691899.